The following is an entry in ClinVar:

NM_152468.5(TMC8):c.503A>G (p.Asn168Ser)

Gene: TMC8 (transmembrane channel like 8; plus strand). Cytogenetic location: 17q25.3.
Variant type: single nucleotide variant.
Coding change: c.503A>G on transcript NM_152468.5 (MANE Select); coding-DNA position 503, A replaced by G.
Protein change: p.Asn168Ser; replaces asparagine 168 with serine.
Molecular consequence: missense variant.
Genome position (GRCh38, 1-based): chr17:78,132,842, A>G. VCF-style: chr17-78132842-A-G. GRCh37 (hg19) VCF-style: chr17-76128923-A-G.
Other names: short protein forms N168S.
Identifiers: ClinVar variation 1368227 (VCV001368227.5), dbSNP rs765373712, ClinGen allele CA8796476.
Genomic context (GRCh38, chr17:78,132,842, plus strand): 5'-CAACAGCCCTCCAGTGCCCTGGTAGCCGCCAGTCCCCGCCTGGCGTTTTGAGGTTCCACA[A>G]TCAACTTTGGCATGTTTTGACTGGCAGGGTGAGTGAGGTCTGTCCCGGCTATGGTCCAGA-3'
Protein context (NP_689681.2, residues 158-178): QSPPGVLRFH[Asn168Ser]QLWHVLTGRA

ClinVar aggregate classification (germline): Uncertain significance (1 of 4 stars; one submission).

Conditions:
Epidermodysplasia verruciformis. Identifiers: Orphanet 302, MedGen C0014522, MONDO:0009176.

Allele frequency attached by ClinVar (database versions not stated): gnomAD 0.00002; gnomAD exomes 0.00002 and 0.00004; ExAC 0.00003; TOPMed 0.00003.
gnomAD v4.1: 53 of 1,614,010 alleles (0.0033%); highest among the groups gnomAD compares: Non-Finnish European, 0.0043%; no homozygotes.

Submission:

Labcorp Genetics (formerly Invitae), Labcorp
Classification: Uncertain significance for Epidermodysplasia verruciformis. Last evaluated: 2021-08-24. Review status: criteria provided, single submitter. Criteria: Invitae Variant Classification Sherloc (09022015). Collection method: clinical testing. Allele origin: germline.
Comment: This sequence change replaces asparagine with serine at codon 168 of the TMC8 protein (p.Asn168Ser). The asparagine residue is weakly conserved and there is a small physicochemical difference between asparagine and serine. This variant is present in population databases (rs765373712, ExAC 0.006%). This variant has not been reported in the literature in individuals affected with TMC8-related conditions. Algorithms developed to predict the effect of missense changes on protein structure and function output the following: SIFT: "Tolerated"; PolyPhen-2: "Benign"; Align-GVGD: "Class C0". The serine amino acid residue is found in multiple mammalian species, which suggests that this missense change does not adversely affect protein function. Algorithms developed to predict the effect of sequence changes on RNA splicing suggest that this variant may create or strengthen a splice site. In summary, the available evidence is currently insufficient to determine the role of this variant in disease. Therefore, it has been classified as a Variant of Uncertain Significance.